The following is an entry in ClinVar:

ClinVar aggregate classification (germline): Uncertain significance. Review status: criteria provided, multiple submitters, no conflicts (2 of 4 stars). 2 submissions from 2 submitters: Uncertain significance (2). Last evaluated 2023-12-13.

Conditions:
Epidermolysis bullosa simplex 3, localized or generalized intermediate, with BP230 deficiency (EBS3). Also called: Epidermolysis bullosa simplex due to BP230 deficiency; Epidermolysis bullosa simplex, autosomal recessive 2. Identifiers: Orphanet 412181, MedGen C3809470, MONDO:0014180, OMIM 615425.
Hereditary sensory and autonomic neuropathy type 6. Also called: Neuropathy, hereditary sensory and autonomic, type VI; HSAN VI. Identifiers: Orphanet 314381, MedGen C3539003, MONDO:0013839, OMIM 614653.

Allele frequency attached by ClinVar (database versions not stated): gnomAD exomes below 0.00001; gnomAD 0.00002; TOPMed 0.00002.
gnomAD v4.1: 6 of 1,613,926 alleles (0.00037%); highest among the groups gnomAD compares: African/African-American, 0.008%; no homozygotes.

Submissions (2):

Women's Health and Genetics/Laboratory Corporation of America, LabCorp
Classification: Uncertain significance. Last evaluated: 2023-12-13. Review status: criteria provided, single submitter. Criteria: LabCorp Variant Classification Summary - May 2015. Collection method: clinical testing. Allele origin: germline.
Comment: Variant summary: DST c.2398A>G (p.Ile800Val) results in a conservative amino acid change in the encoded protein sequence. Four of five in-silico tools predict a benign effect of the variant on protein function. The variant allele was found at a frequency of 6.4e-05 in 31370 control chromosomes (gnomAD). The available data on variant occurrences in the general population are insufficient to allow any conclusion about variant significance. To our knowledge, no occurrence of c.2398A>G in individuals affected with DST-Related Disorders and no experimental evidence demonstrating its impact on protein function have been reported. One submitter has cited clinical-significance assessments for this variant to ClinVar after 2014 and has classified the variant as uncertain significance. Based on the evidence outlined above, the variant was classified as uncertain significance.

Labcorp Genetics (formerly Invitae), Labcorp
Classification: Uncertain significance for Epidermolysis bullosa simplex 3, localized or generalized intermediate, with BP230 deficiency; Hereditary sensory and autonomic neuropathy type 6. Last evaluated: 2022-07-19. Review status: criteria provided, single submitter. Criteria: Invitae Variant Classification Sherloc (09022015). Collection method: clinical testing. Allele origin: germline.
Comment: In summary, the available evidence is currently insufficient to determine the role of this variant in disease. Therefore, it has been classified as a Variant of Uncertain Significance. Algorithms developed to predict the effect of missense changes on protein structure and function are either unavailable or do not agree on the potential impact of this missense change (SIFT: "Deleterious"; PolyPhen-2: "Benign"; Align-GVGD: "Class C25"). This variant has not been reported in the literature in individuals affected with DST-related conditions. This variant is present in population databases (no rsID available, gnomAD 0.02%). This sequence change replaces isoleucine, which is neutral and non-polar, with valine, which is neutral and non-polar, at codon 800 of the DST protein (p.Ile800Val).

NM_001374736.1(DST):c.4009A>G (p.Ile1337Val)

Gene: DST (dystonin; minus strand). Cytogenetic location: 6p12.1.
Variant type: single nucleotide variant.
Coding change: c.4009A>G on transcript NM_001374736.1 (MANE Select); coding-DNA position 4009, A replaced by G.
Protein change: p.Ile1337Val; replaces isoleucine 1337 with valine.
Molecular consequence: missense variant.
Genome position (GRCh38, 1-based): chr6:56,631,344, T>C on the plus strand (A>G on the coding strand, the complement: DST is on the minus strand). VCF-style: chr6-56631344-T-C. GRCh37 (hg19) VCF-style: chr6-56496142-T-C.
Other names: c.3910A>G, p.Ile1304Val (NM_001144769.5); c.3496A>G, p.Ile1166Val (NM_001144770.2); c.4009A>G, p.Ile1337Val (NM_001374722.1); c.3376A>G, p.Ile1126Val (NM_001374729.1, NM_001374730.1, NM_001386100.1 and 1 more transcripts); c.4036A>G, p.Ile1346Val (NM_001374734.1); c.2398A>G, p.Ile800Val (NM_001723.7, NM_015548.5); short protein forms I1346V, I1304V, I800V, I1126V, I1166V, I1337V.
Identifiers: ClinVar variation 2110185 (VCV002110185.5), dbSNP rs960595158, ClinGen allele CA139215690.